The following is an entry in ClinVar:

ClinVar aggregate classification (germline): Uncertain significance (1 of 4 stars; one submission).

Conditions:
Autoimmune interstitial lung disease-arthritis syndrome. Also called: Autoinflammation and autoimmunity, systemic, with immune dysregulation. Identifiers: Orphanet 444092, MedGen C5975714, MONDO:0014629.

Allele frequency attached by ClinVar (database versions not stated): gnomAD exomes below 0.00001.

Submission:

Labcorp Genetics (formerly Invitae), Labcorp
Classification: Uncertain significance for Autoimmune interstitial lung disease-arthritis syndrome. Last evaluated: 2023-10-22. Review status: criteria provided, single submitter. Criteria: Invitae Variant Classification Sherloc (09022015). Collection method: clinical testing. Allele origin: germline.
Comment: This variant, c.1070_1072dup, results in the insertion of 1 amino acid(s) of the COPA protein (p.Leu357dup), but otherwise preserves the integrity of the reading frame. This variant is not present in population databases (gnomAD no frequency). This variant has not been reported in the literature in individuals affected with COPA-related conditions. ClinVar contains an entry for this variant (Variation ID: 863221). Experimental studies and prediction algorithms are not available or were not evaluated, and the functional significance of this variant is currently unknown. In summary, the available evidence is currently insufficient to determine the role of this variant in disease. Therefore, it has been classified as a Variant of Uncertain Significance.

NM_004371.4(COPA):c.1070_1072dup (p.Leu357dup)

Gene: COPA (coat protein complex I subunit alpha; minus strand). Cytogenetic location: 1q23.2.
Variant type: Duplication.
Coding change: c.1070_1072dup on transcript NM_004371.4 (MANE Select); coding-DNA positions 1070 to 1072, 3 bases duplicated (TGC; older notation c.1070_1072dupTGC).
Protein change: p.Leu357dup; duplicates leucine 357.
Molecular consequence: inframe insertion.
Genome position (GRCh38, 1-based): chr1:160,311,872-160,311,874, GCA duplicated on the plus strand (TGC on the coding strand, the reverse complement: COPA is on the minus strand). VCF-style (leftmost placement, unchanged base first): chr1-160311871-C-CGCA. GRCh37 (hg19) VCF-style: chr1-160281661-C-CGCA.
Other names: c.1070_1072dup, p.Leu357dup (NM_001098398.2).
Identifiers: ClinVar variation 863221 (VCV000863221.10), dbSNP rs1658978401, ClinGen allele CA916082092.
Genomic context (GRCh38, chr1:160,311,871, plus strand): 5'-AGTTGTATCAGGGTGACAGATGAGAGGGTTTGGAGGAAAGAAACAAGTCCGATTTACCTC[C>CGCA]GCAACTGCATCACAGCTACATCTTTGGAGCTGTTGAAATCCAGCTGTCGTAAGAATCGGT-3'